The following is an entry in ClinVar:

NM_173495.3(PTCHD1):c.2353A>G (p.Lys785Glu)

Gene: PTCHD1 (patched domain containing 1; plus strand). Cytogenetic location: Xp22.11.
Variant type: single nucleotide variant.
Coding change: c.2353A>G on transcript NM_173495.3 (MANE Select); coding-DNA position 2353, A replaced by G.
Protein change: p.Lys785Glu; replaces lysine 785 with glutamic acid.
Molecular consequence: missense variant.
Genome position (GRCh38, 1-based): chrX:23,393,871, A>G. VCF-style: chrX-23393871-A-G. GRCh37 (hg19) VCF-style: chrX-23411988-A-G.
Other names: short protein forms K785E.
Identifiers: ClinVar variation 3360831 (VCV003360831.2).

ClinVar aggregate classification (germline): Uncertain significance. Review status: criteria provided, multiple submitters, no conflicts (2 of 4 stars). 2 submissions from 2 submitters: Uncertain significance (2). Last evaluated 2024-12-23.

Conditions:
Inborn genetic diseases. Identifiers: MedGen C0950123, MeSH D030342.

Submissions (2):

Ambry Genetics
Classification: Uncertain significance for Inborn genetic diseases. Last evaluated: 2024-12-23. Review status: criteria provided, single submitter. Criteria: Ambry Variant Classification Scheme 2023. Collection method: clinical testing. Allele origin: germline.

GeneDx
Classification: Uncertain significance. Last evaluated: 2023-07-03. Review status: criteria provided, single submitter. Criteria: GeneDx Variant Classification Process June 2021. Collection method: clinical testing. Allele origin: germline. Affected: yes.
Comment: In silico analysis supports that this missense variant does not alter protein structure/function; Has not been previously published as pathogenic or benign to our knowledge